The following is an entry in ClinVar:

NM_018847.4(KLHL9):c.1562C>G (p.Thr521Ser)

Gene: KLHL9 (kelch like family member 9; minus strand). Cytogenetic location: 9p21.3.
Variant type: single nucleotide variant.
Coding change: c.1562C>G on transcript NM_018847.4 (MANE Select); coding-DNA position 1562, C replaced by G.
Protein change: p.Thr521Ser; replaces threonine 521 with serine.
Molecular consequence: missense variant.
Genome position (GRCh38, 1-based): chr9:21,333,298, G>C on the plus strand (C>G on the coding strand, the complement: KLHL9 is on the minus strand). VCF-style: chr9-21333298-G-C. GRCh37 (hg19) VCF-style: chr9-21333297-G-C.
Other names: short protein forms T521S.
Identifiers: ClinVar variation 1512590 (VCV001512590.6), dbSNP rs775982526, ClinGen allele CA5010500.

ClinVar aggregate classification (germline): Uncertain significance (1 of 4 stars; one submission).

Allele frequency attached by ClinVar (database versions not stated): gnomAD 0.00002.

Submission:

Labcorp Genetics (formerly Invitae), Labcorp
Classification: Uncertain significance. Last evaluated: 2021-02-24. Review status: criteria provided, single submitter. Criteria: Invitae Variant Classification Sherloc (09022015). Collection method: clinical testing. Allele origin: germline.
Comment: This sequence change replaces threonine with serine at codon 521 of the KLHL9 protein (p.Thr521Ser). The threonine residue is moderately conserved and there is a small physicochemical difference between threonine and serine. In summary, the available evidence is currently insufficient to determine the role of this variant in disease. Therefore, it has been classified as a Variant of Uncertain Significance. Algorithms developed to predict the effect of missense changes on protein structure and function are either unavailable or do not agree on the potential impact of this missense change (SIFT: "Not Available"; PolyPhen-2: "Benign"; Align-GVGD: "Not Available"). This variant has not been reported in the literature in individuals with KLHL9-related conditions. This variant is present in population databases (rs775982526, ExAC 0.001%).